The following is an entry in ClinVar:

ClinVar aggregate classification (germline): Uncertain significance. Review status: criteria provided, multiple submitters, no conflicts (2 of 4 stars). 3 submissions from 3 submitters: Uncertain significance (3). Last evaluated 2022-01-01.

Conditions:
Retinal dystrophy. Also called: Inherited retinal dystrophy. Identifiers: Orphanet 71862, MedGen C0854723, MeSH D058499, MONDO:0019118, HP:0000556.

Allele frequency attached by ClinVar (database versions not stated): ExAC 0.00001; gnomAD 0.00001; gnomAD exomes 0.00001; TOPMed 0.00001.
gnomAD v4.1: 12 of 1,613,850 alleles (0.00074%); highest among the groups gnomAD compares: African/African-American, 0.0013%; no homozygotes.

Submissions (3):

Institute of Human Genetics, Univ. Regensburg, Univ. Regensburg
Classification: Uncertain significance for Retinal dystrophy. Last evaluated: 2022-01-01. Review status: criteria provided, single submitter. Criteria: ACMG Guidelines, 2015. Collection method: clinical testing. Allele origin: germline. Affected: yes.

Labcorp Genetics (formerly Invitae), Labcorp
Classification: Uncertain significance. Last evaluated: 2021-11-11. Review status: criteria provided, single submitter. Criteria: Invitae Variant Classification Sherloc (09022015). Collection method: clinical testing. Allele origin: germline.
Comment: This sequence change affects an acceptor splice site in intron 21 of the CACNA2D4 gene. It is expected to disrupt RNA splicing. Variants that disrupt the donor or acceptor splice site typically lead to a loss of protein function (PMID: 16199547), however the current clinical and genetic evidence is not sufficient to establish whether loss-of-function variants in CACNA2D4 cause disease. This variant is present in population databases (rs749463003, gnomAD 0.002%). This variant has not been reported in the literature in individuals affected with CACNA2D4-related conditions. Algorithms developed to predict the effect of sequence changes on RNA splicing suggest that this variant may disrupt the consensus splice site. In summary, the available evidence is currently insufficient to determine the role of this variant in disease. Therefore, it has been classified as a Variant of Uncertain Significance.

Blueprint Genetics
Classification: Uncertain significance. Last evaluated: 2019-12-13. Review status: criteria provided, single submitter. Criteria: ACMG Guidelines, 2015. Collection method: clinical testing. Allele origin: germline.

Literature cited by the submitters: PubMed 31964843 (cited by Institute of Human Genetics, Univ. Regensburg, Univ. Regensburg); PubMed 16199547 (cited by Labcorp Genetics (formerly Invitae), Labcorp).

NM_172364.5(CACNA2D4):c.2055-1G>A

Gene: CACNA2D4 (calcium voltage-gated channel auxiliary subunit alpha2delta 4; minus strand). Cytogenetic location: 12p13.33.
Variant type: single nucleotide variant.
Coding change: c.2055-1G>A on transcript NM_172364.5 (MANE Select); the canonical splice acceptor site of the intron before coding-DNA position 2055, G replaced by A.
Molecular consequence: splice acceptor variant.
Genome position (GRCh38, 1-based): chr12:1,856,110, C>T on the plus strand (G>A on the coding strand, the complement: CACNA2D4 is on the minus strand). VCF-style: chr12-1856110-C-T. GRCh37 (hg19) VCF-style: chr12-1965276-C-T.
Identifiers: ClinVar variation 1514068 (VCV001514068.8), dbSNP rs749463003, ClinGen allele CA6386851.